The following is an entry in ClinVar:

NM_012233.3(RAB3GAP1):c.1427G>A (p.Gly476Glu)

Gene: RAB3GAP1 (RAB3 GTPase activating protein catalytic subunit 1; plus strand). Cytogenetic location: 2q21.3.
Variant type: single nucleotide variant.
Coding change: c.1427G>A on transcript NM_012233.3 (MANE Select); coding-DNA position 1427, G replaced by A.
Protein change: p.Gly476Glu; replaces glycine 476 with glutamic acid.
Molecular consequence: missense variant.
Genome position (GRCh38, 1-based): chr2:135,133,961, G>A. VCF-style: chr2-135133961-G-A. GRCh37 (hg19) VCF-style: chr2-135891531-G-A.
Other names: p.Gly476Glu; c.1427G>A, p.Gly476Glu (NM_001172435.2); short protein forms G476E.
Identifiers: ClinVar variation 1404066 (VCV001404066.6), dbSNP rs144231223, ClinGen allele CA1884839.
Genomic context (GRCh38, chr2:135,133,961, plus strand): 5'-TAACATACAAACTGGCTTTGTGTCTCTGTATGATCAATTTTTACCATGGAGGGTTGAAAG[G>A]AGTGGCACACCTCTGGCAGGAATTTGTTCTTGAAATGCGTTTCCGATGGGAAAACAACTT-3'
Protein context (NP_036365.1, residues 466-486): MINFYHGGLK[Gly476Glu]VAHLWQEFVL

ClinVar aggregate classification (germline): Uncertain significance. Review status: criteria provided, multiple submitters, no conflicts (2 of 4 stars). 2 submissions from 2 submitters: Uncertain significance (2). Last evaluated 2025-10-22.

Allele frequency attached by ClinVar (database versions not stated): gnomAD 0.00012 and 0.00011; gnomAD exomes 0.00012 and 0.00022; TOPMed 0.00013; ExAC 0.00015; ESP Exome Variant Server 0.00054.
gnomAD v4.1: 340 of 1,613,806 alleles (0.021%); highest among the groups gnomAD compares: Non-Finnish European, 0.027%; 1 homozygote.

Submissions (2):

Mayo Clinic Laboratories, Mayo Clinic
Classification: Uncertain significance. Last evaluated: 2025-10-22. Review status: criteria provided, single submitter. Criteria: ACMG Guidelines, 2015. Collection method: clinical testing. Allele origin: germline. Observed: 1 variant allele.

Labcorp Genetics (formerly Invitae), Labcorp
Classification: Uncertain significance. Last evaluated: 2024-08-12. Review status: criteria provided, single submitter. Criteria: Invitae Variant Classification Sherloc (09022015). Collection method: clinical testing. Allele origin: germline.
Comment: This sequence change replaces glycine, which is neutral and non-polar, with glutamic acid, which is acidic and polar, at codon 476 of the RAB3GAP1 protein (p.Gly476Glu). This variant is present in population databases (rs144231223, gnomAD 0.03%). This variant has not been reported in the literature in individuals affected with RAB3GAP1-related conditions. ClinVar contains an entry for this variant (Variation ID: 1404066). Advanced modeling of protein sequence and biophysical properties (such as structural, functional, and spatial information, amino acid conservation, physicochemical variation, residue mobility, and thermodynamic stability) performed at Invitae indicates that this missense variant is expected to disrupt RAB3GAP1 protein function with a positive predictive value of 80%. In summary, the available evidence is currently insufficient to determine the role of this variant in disease. Therefore, it has been classified as a Variant of Uncertain Significance.